The following is an entry in ClinVar:

ClinVar aggregate classification (germline): Uncertain significance. Review status: criteria provided, multiple submitters, no conflicts (2 of 4 stars). 3 submissions from 3 submitters: Uncertain significance (3). Last evaluated 2025-05-25.

Conditions:
Cardiovascular phenotype. Identifiers: MedGen CN230736.
Hereditary cancer-predisposing syndrome. Also called: Hereditary Cancer Syndrome; Hereditary neoplastic syndrome; Neoplastic Syndromes, Hereditary; Tumor predisposition. Identifiers: Orphanet 140162, MedGen C0027672, MeSH D009386, MONDO:0015356.
Neurofibromatosis, type 1 (NF1). Also called: Peripheral type neurofibromatosis; VON RECKLINGHAUSEN DISEASE; NEUROFIBROMATOSIS, TYPE I, SOMATIC; Neurofibromatosis, type I. Identifiers: Orphanet 636, MedGen C0027831, MONDO:0018975, OMIM 162200. Disease mechanism: loss of function.

Submissions (3):

Labcorp Genetics (formerly Invitae), Labcorp
Classification: Uncertain significance for Neurofibromatosis, type 1. Last evaluated: 2025-05-25. Review status: criteria provided, single submitter. Criteria: Invitae Variant Classification Sherloc (09022015). Collection method: clinical testing. Allele origin: germline.
Comment: This sequence change replaces lysine, which is basic and polar, with glutamic acid, which is acidic and polar, at codon 2244 of the NF1 protein (p.Lys2244Glu). This variant is not present in population databases (gnomAD no frequency). This variant has not been reported in the literature in individuals affected with NF1-related conditions. ClinVar contains an entry for this variant (Variation ID: 1755138). Invitae Evidence Modeling of protein sequence and biophysical properties (such as structural, functional, and spatial information, amino acid conservation, physicochemical variation, residue mobility, and thermodynamic stability) indicates that this missense variant is expected to disrupt NF1 protein function with a positive predictive value of 95%. In summary, the available evidence is currently insufficient to determine the role of this variant in disease. Therefore, it has been classified as a Variant of Uncertain Significance.

Ambry Genetics
Classification: Uncertain significance for Cardiovascular phenotype; Hereditary cancer-predisposing syndrome. Last evaluated: 2024-01-16. Review status: criteria provided, single submitter. Criteria: Ambry Variant Classification Scheme 2023. Collection method: clinical testing. Allele origin: germline.
Comment: The p.K2244E variant (also known as c.6730A>G), located in coding exon 44 of the NF1 gene, results from an A to G substitution at nucleotide position 6730. The lysine at codon 2244 is replaced by glutamic acid, an amino acid with similar properties. This amino acid position is highly conserved in available vertebrate species. In addition, this alteration is predicted to be deleterious by in silico analysis. Since supporting evidence is limited at this time, the clinical significance of this alteration remains unclear.

Blueprint Genetics
Classification: Uncertain significance. Last evaluated: 2020-07-10. Review status: criteria provided, single submitter. Criteria: ACMG Guidelines, 2015. Collection method: clinical testing. Allele origin: germline.

NM_001042492.3(NF1):c.6793A>G (p.Lys2265Glu)

Gene: NF1 (neurofibromin 1; plus strand). Cytogenetic location: 17q11.2.
Variant type: single nucleotide variant.
Coding change: c.6793A>G on transcript NM_001042492.3 (MANE Select); coding-DNA position 6793, A replaced by G.
Protein change: p.Lys2265Glu; replaces lysine 2265 with glutamic acid.
Molecular consequence: missense variant.
Genome position (GRCh38, 1-based): chr17:31,338,113, A>G. VCF-style: chr17-31338113-A-G. GRCh37 (hg19) VCF-style: chr17-29665131-A-G.
Other names: c.6730A>G, p.Lys2244Glu (NM_000267.4); short protein forms K2244E, K2265E.
Identifiers: ClinVar variation 1755138 (VCV001755138.4), dbSNP rs2508759682, ClinGen allele CA399014167.